The following is an entry in ClinVar:

NM_023110.3(FGFR1):c.2023C>T (p.Arg675Trp)

Gene: FGFR1 (fibroblast growth factor receptor 1; minus strand). Cytogenetic location: 8p11.23.
Variant type: single nucleotide variant.
Coding change: c.2023C>T on transcript NM_023110.3 (MANE Select); coding-DNA position 2023, C replaced by T.
Protein change: p.Arg675Trp; replaces arginine 675 with tryptophan.
Molecular consequence: missense variant.
Genome position (GRCh38, 1-based): chr8:38,414,584, G>A on the plus strand (C>T on the coding strand, the complement: FGFR1 is on the minus strand). VCF-style: chr8-38414584-G-A. GRCh37 (hg19) VCF-style: chr8-38272102-G-A.
Other names: c.2017C>T, p.Arg673Trp (NM_001174063.2, NM_001174065.2, NM_001354367.2 and 1 more transcripts); c.1993C>T, p.Arg665Trp (NM_001174064.2); c.1756C>T, p.Arg586Trp (NM_001174066.2, NM_023105.3); c.2116C>T, p.Arg706Trp (NM_001174067.2); c.1744C>T, p.Arg582Trp (NM_001354368.2); c.2011C>T, p.Arg671Trp (NM_001354369.2); c.1750C>T, p.Arg584Trp (NM_001354370.2, NM_023106.3); short protein forms R675W, R582W, R584W, R665W, R586W, R671W, R673W, R706W.
Identifiers: ClinVar variation 430356 (VCV000430356.3), dbSNP rs375611478, ClinGen allele CA4718201.

ClinVar aggregate classification (germline): Uncertain significance. Review status: criteria provided, multiple submitters, no conflicts (2 of 4 stars). 2 submissions from 2 submitters: Uncertain significance (2). Last evaluated 2024-01-01.

Conditions:
Hypogonadotropic hypogonadism 2 with or without anosmia (HH2). Also called: FGFR1-Related GnRH Deficiency (Kallmann Syndrome 2); HYPOGONADOTROPIC HYPOGONADISM 2 WITHOUT ANOSMIA; HYPOGONADOTROPIC HYPOGONADISM 2 WITH OR WITHOUT ANOSMIA, SUSCEPTIBILITY TO; HYPOGONADOTROPIC HYPOGONADISM 2 WITHOUT ANOSMIA, SUSCEPTIBILITY TO. Identifiers: Orphanet 478, MedGen C1563720, MONDO:0007844, OMIM 147950. Disease mechanism: loss of function.
Hartsfield-Bixler-Demyer syndrome (HRTFDS). Also called: FGFR1-Related Hartsfield Syndrome; Holoprosencephaly, ectrodactyly, and bilateral cleft lip/palate; Hartsfield syndrome. Identifiers: Orphanet 2117, MedGen C1845146, MONDO:0014196, OMIM 615465. Disease mechanism: loss of function.
Trigonocephaly 1 (TRIGNO1). Identifiers: Orphanet 3366, MedGen C0432122, MONDO:0008603, OMIM 190440.
Jackson-Weiss syndrome (JWS). Also called: CRANIOSYNOSTOSIS, MIDFACIAL HYPOPLASIA, AND FOOT ABNORMALITIES. Identifiers: Orphanet 1540, MedGen C0795998, MONDO:0007400, OMIM 123150. Disease mechanism: loss of function.
Encephalocraniocutaneous lipomatosis (ECCL). Identifiers: Orphanet 2396, MedGen C0406612, MONDO:0013074, OMIM 613001.
Pfeiffer syndrome (ACS5). Also called: ACS V. Identifiers: Orphanet 710, MedGen C0220658, MONDO:0007043, OMIM 101600.
Osteoglophonic dysplasia (OGD). Also called: Osteoglophonic dwarfism. Identifiers: Orphanet 2645, MedGen C0432283, MONDO:0008150, OMIM 166250.

Allele frequency attached by ClinVar (database versions not stated): gnomAD exomes below 0.00001 and 0.00001; ExAC 0.00001; gnomAD 0.00001; TOPMed 0.00001; ESP Exome Variant Server 0.00008.
gnomAD v4.1: 20 of 1,469,198 alleles (0.0014%); highest among the groups gnomAD compares: South Asian, 0.0027%; no homozygotes.

Submissions (2):

Fulgent Genetics
Classification: Uncertain significance for Pfeiffer syndrome; Jackson-Weiss syndrome; Hypogonadotropic hypogonadism 2 with or without anosmia; Osteoglophonic dysplasia; Trigonocephaly 1; Encephalocraniocutaneous lipomatosis; Hartsfield-Bixler-Demyer syndrome. Last evaluated: 2024-01-01. Review status: criteria provided, single submitter. Criteria: ACMG Guidelines, 2015. Collection method: clinical testing. Allele origin: germline.

GeneDx
Classification: Uncertain significance. Last evaluated: 2017-05-22. Review status: criteria provided, single submitter. Criteria: GeneDx Variant Classification (06012015). Collection method: clinical testing. Allele origin: germline. Affected: yes.
Comment: The R675W variant in the FGFR1 gene has not been reported previously as a pathogenic variant, nor as a benign variant, to our knowledge. The R675W variant is not observed at a significant frequency in large population cohorts (Lek et al., 2016; 1000 Genomes Consortium et al., 2015; Exome Variant Server). The R675W variant is a non-conservative amino acid substitution, which is likely to impact secondary protein structure as these residues differ in polarity, charge, size and/or other properties. This substitution occurs at a position that is conserved across species. In silico analysis predicts this variant is probably damaging to the protein structure/function. A missense variant in a nearby residue (A671P) has been reported in the Human Gene Mutation Database in association with idiopathic hypogonadotropic hypogonadism (Stenson et al., 2014), supporting the functional importance of this region of the protein. We interpret R675W as a variant of uncertain significance.